The following is an entry in ClinVar:

NM_206926.2(SELENON):c.719C>G (p.Ala240Gly)

Gene: SELENON (selenoprotein N; plus strand). Cytogenetic location: 1p36.11.
Variant type: single nucleotide variant.
Coding change: c.719C>G on transcript NM_206926.2 (MANE Select); coding-DNA position 719, C replaced by G.
Protein change: p.Ala240Gly; replaces alanine 240 with glycine.
Molecular consequence: missense variant.
Genome position (GRCh38, 1-based): chr1:25,809,099, C>G. VCF-style: chr1-25809099-C-G. GRCh37 (hg19) VCF-style: chr1-26135590-C-G.
Other names: c.821C>G (NM_020451.2); c.821C>G, p.Ala274Gly (NM_020451.3); short protein forms A240G, A274G.
Identifiers: ClinVar variation 2038343 (VCV002038343.7), dbSNP rs945683594, ClinGen allele CA19698400.

ClinVar aggregate classification (germline): Uncertain significance. Review status: criteria provided, multiple submitters, no conflicts (2 of 4 stars). 2 submissions from 2 submitters: Uncertain significance (2). Last evaluated 2022-11-08.

Conditions:
Eichsfeld type congenital muscular dystrophy (CMYO3). Also called: Rigid spine muscular dystrophy 1; MYOPATHY, SEPN1-RELATED; SELENON-related myopathy; Congenital myopathy 3 with rigid spine. Identifiers: MedGen C0410180, MONDO:0100100, OMIM 602771.

gnomAD v4.1: 1 of 1,613,682 alleles (0.000062%); highest among the groups gnomAD compares: Non-Finnish European, 0.000085%; no homozygotes.

Submissions (2):

Labcorp Genetics (formerly Invitae), Labcorp
Classification: Uncertain significance for Eichsfeld type congenital muscular dystrophy. Last evaluated: 2022-11-08. Review status: criteria provided, single submitter. Criteria: Invitae Variant Classification Sherloc (09022015). Collection method: clinical testing. Allele origin: germline.
Comment: In summary, the available evidence is currently insufficient to determine the role of this variant in disease. Therefore, it has been classified as a Variant of Uncertain Significance. Algorithms developed to predict the effect of missense changes on protein structure and function (SIFT, PolyPhen-2, Align-GVGD) all suggest that this variant is likely to be tolerated. This variant has not been reported in the literature in individuals affected with SELENON-related conditions. This variant is present in population databases (no rsID available, gnomAD 0.0009%). This sequence change replaces alanine, which is neutral and non-polar, with glycine, which is neutral and non-polar, at codon 274 of the SELENON protein (p.Ala274Gly).

Revvity Omics, Revvity
Classification: Uncertain significance for Eichsfeld type congenital muscular dystrophy. Last evaluated: 2020-02-11. Review status: criteria provided, single submitter. Criteria: ACMG Guidelines, 2015. Collection method: clinical testing. Allele origin: germline.